The following is an entry in ClinVar:

NM_000051.4(ATM):c.7663C>T (p.His2555Tyr)

Genes: ATM (ATM serine/threonine kinase; plus strand), C11orf65 (chromosome 11 open reading frame 65; minus strand). Cytogenetic location: 11q22.3.
Variant type: single nucleotide variant.
Coding change: c.7663C>T on transcript NM_000051.4 (MANE Select); coding-DNA position 7663, C replaced by T.
Protein change: p.His2555Tyr; replaces histidine 2555 with tyrosine.
Molecular consequence: missense variant. On other transcripts: intron variant (2).
Genome position (GRCh38, 1-based): chr11:108,331,912, C>T. VCF-style: chr11-108331912-C-T. GRCh37 (hg19) VCF-style: chr11-108202639-C-T.
Other names: c.7663C>T, p.His2555Tyr (NM_001351834.2); c.641-22841G>A (NM_001330368.2); c.*38+3308G>A (NM_001351110.2); short protein forms H2555Y.
Identifiers: ClinVar variation 827181 (VCV000827181.7), dbSNP rs786203651, ClinGen allele CA382560957.
Genomic context (GRCh38, chr11:108,331,912, plus strand): 5'-ATAAATCTAATAGTTCTTTTCTTACAGCTAATCTCTAGAATTTCAATGGATCACCCCCAT[C>T]ACACTTTGTTTATTATACTGGCCTTAGCAAATGCAAACAGAGATGAATTTCTGACTAAAC-3'
Protein context (NP_000042.3, residues 2545-2565): ISRISMDHPH[His2555Tyr]TLFIILALAN

ClinVar aggregate classification (germline): Uncertain significance (1 of 4 stars; one submission).

Conditions:
Hereditary cancer-predisposing syndrome. Also called: Tumor predisposition; Neoplastic Syndromes, Hereditary; Hereditary Cancer Syndrome; Hereditary neoplastic syndrome. Identifiers: Orphanet 140162, MedGen C0027672, MeSH D009386, MONDO:0015356.

Submission:

Ambry Genetics
Classification: Uncertain significance for Hereditary cancer-predisposing syndrome. Last evaluated: 2024-07-03. Review status: criteria provided, single submitter. Criteria: Ambry Variant Classification Scheme 2023. Collection method: clinical testing. Allele origin: germline.
Comment: The p.H2555Y variant (also known as c.7663C>T), located in coding exon 51 of the ATM gene, results from a C to T substitution at nucleotide position 7663. The histidine at codon 2555 is replaced by tyrosine, an amino acid with similar properties. This amino acid position is highly conserved in available vertebrate species. In addition, this alteration is predicted to be deleterious by in silico analysis. Since supporting evidence is limited at this time, the clinical significance of this alteration remains unclear.